The following is an entry in ClinVar:

NM_003647.3(DGKE):c.328G>T (p.Glu110Ter)

Gene: DGKE (diacylglycerol kinase epsilon; plus strand). Cytogenetic location: 17q22.
Variant type: single nucleotide variant.
Coding change: c.328G>T on transcript NM_003647.3 (MANE Select); coding-DNA position 328, G replaced by T.
Protein change: p.Glu110Ter; replaces glutamic acid 110 with a stop codon.
Molecular consequence: nonsense.
Genome position (GRCh38, 1-based): chr17:56,835,123, G>T. VCF-style: chr17-56835123-G-T. GRCh37 (hg19) VCF-style: chr17-54912484-G-T.
Other names: short protein forms E110*.
Identifiers: ClinVar variation 1409113 (VCV001409113.6), dbSNP rs915029037, ClinGen allele CA399922076.

ClinVar aggregate classification (germline): Pathogenic (1 of 4 stars; one submission).

Submission:

Labcorp Genetics (formerly Invitae), Labcorp
Classification: Pathogenic. Last evaluated: 2021-11-17. Review status: criteria provided, single submitter. Criteria: Invitae Variant Classification Sherloc (09022015). Collection method: clinical testing. Allele origin: germline.
Comment: For these reasons, this variant has been classified as Pathogenic. Algorithms developed to predict the effect of sequence changes on RNA splicing suggest that this variant may create or strengthen a splice site. This variant has not been reported in the literature in individuals affected with DGKE-related conditions. This variant is not present in population databases (gnomAD no frequency). This sequence change creates a premature translational stop signal (p.Glu110*) in the DGKE gene. It is expected to result in an absent or disrupted protein product. Loss-of-function variants in DGKE are known to be pathogenic (PMID: 23274426, 23542698).

Literature cited by the submitters: PubMed 23274426; PubMed 23542698.